The following is an entry in ClinVar:

ClinVar aggregate classification (germline): Uncertain significance. Review status: criteria provided, multiple submitters, no conflicts (2 of 4 stars). 4 submissions from 4 submitters: Uncertain significance (4). Last evaluated 2025-10-13.

Conditions:
Inborn genetic diseases. Identifiers: MedGen C0950123, MeSH D030342.

Allele frequency attached by ClinVar (database versions not stated): gnomAD 0.00001 and 0.00002; gnomAD exomes 0.00001 and 0.00002; ExAC 0.00002; TOPMed 0.00003.
gnomAD v4.1: 25 of 1,612,906 alleles (0.0015%); highest among the groups gnomAD compares: Middle Eastern, 0.017%; no homozygotes.

Submissions (4):

Labcorp Genetics (formerly Invitae), Labcorp
Classification: Uncertain significance. Last evaluated: 2025-10-13. Review status: criteria provided, single submitter. Criteria: Invitae Variant Classification Sherloc (09022015). Collection method: clinical testing. Allele origin: germline.
Comment: This sequence change replaces serine, which is neutral and polar, with glycine, which is neutral and non-polar, at codon 788 of the RBP3 protein (p.Ser788Gly). This variant is present in population databases (rs782234691, gnomAD 0.003%). This variant has not been reported in the literature in individuals affected with RBP3-related conditions. ClinVar contains an entry for this variant (Variation ID: 806462). Invitae Evidence Modeling of protein sequence and biophysical properties (such as structural, functional, and spatial information, amino acid conservation, physicochemical variation, residue mobility, and thermodynamic stability) indicates that this missense variant is not expected to disrupt RBP3 protein function with a negative predictive value of 80%. In summary, the available evidence is currently insufficient to determine the role of this variant in disease. Therefore, it has been classified as a Variant of Uncertain Significance.

Blueprint Genetics
Classification: Uncertain significance. Last evaluated: 2024-06-25. Review status: criteria provided, single submitter. Criteria: ACMG Guidelines, 2015. Collection method: clinical testing. Allele origin: germline.

Ambry Genetics
Classification: Uncertain significance for Inborn genetic diseases. Last evaluated: 2023-08-14. Review status: criteria provided, single submitter. Criteria: Ambry Variant Classification Scheme 2023. Collection method: clinical testing. Allele origin: germline.

CeGaT Center for Human Genetics Tuebingen
Classification: Uncertain significance. Last evaluated: 2016-09-01. Review status: criteria provided, single submitter. Criteria: CeGaT Center For Human Genetics Tuebingen Variant Classification Criteria Version 2. Collection method: clinical testing. Allele origin: germline. Affected: yes. Observed: 1 variant allele.

NM_002900.3(RBP3):c.2362A>G (p.Ser788Gly)

Gene: RBP3 (retinol binding protein 3; plus strand). Cytogenetic location: 10q11.22.
Variant type: single nucleotide variant.
Coding change: c.2362A>G on transcript NM_002900.3 (MANE Select); coding-DNA position 2362, A replaced by G.
Protein change: p.Ser788Gly; replaces serine 788 with glycine.
Molecular consequence: missense variant.
Genome position (GRCh38, 1-based): chr10:47,350,846, A>G. VCF-style: chr10-47350846-A-G. GRCh37 (hg19) VCF-style: chr10-48388516-T-C.
Other names: short protein forms S788G.
Identifiers: ClinVar variation 806462 (VCV000806462.49), dbSNP rs782234691, ClinGen allele CA5487296.